The following is an entry in ClinVar:

ClinVar aggregate classification (germline): Likely benign. Review status: criteria provided, multiple submitters, no conflicts (2 of 4 stars). 2 submissions from 2 submitters: Likely benign (2). Last evaluated 2023-05-04.

Conditions:
Arrhythmogenic right ventricular cardiomyopathy (ARVD). Also called: Cardiomyopathy, ARVC; Arrhythmogenic right ventricular dysplasia; Arrhythmogenic cardiomyopathy; Arrhythmogenic Right Ventricular Cardiomyopathy (ARVC). Identifiers: Orphanet 247, MedGen C0349788, MeSH D019571, MONDO:0016587. Disease mechanism: loss of function. Inheritance: Various modes of inheritance.
Cardiomyopathy (CMYO). Also called: Cardiomyopathies. Identifiers: Orphanet 167848, MedGen C0878544, MONDO:0004994, HP:0001638. Inheritance: Various modes of inheritance.

Allele frequency attached by ClinVar (database versions not stated): gnomAD exomes below 0.00001; TOPMed below 0.00001; gnomAD 0.00001; ExAC 0.00002.
gnomAD v4.1: 4 of 1,612,862 alleles (0.00025%); highest among the groups gnomAD compares: South Asian, 0.0022%; no homozygotes.

Submissions (2):

All of Us Research Program, National Institutes of Health
Classification: Likely benign for Arrhythmogenic right ventricular cardiomyopathy. Last evaluated: 2023-05-04. Review status: criteria provided, single submitter. Criteria: ACMG Guidelines, 2015. Collection method: clinical testing. Allele origin: germline. Inheritance: Autosomal dominant inheritance. Observed: 1 variant allele, 1 heterozygote.
Comment: This study involves interpretation of variants in research participants for the purpose of population health screening. Participant phenotype was not available at the time of variant classification. Additional details can be found in publication PMID: 35346344, PMCID: PMC8962531

Color Diagnostics, LLC DBA Color Health
Classification: Likely benign for Cardiomyopathy. Last evaluated: 2021-01-20. Review status: criteria provided, single submitter. Criteria: ACMG Guidelines, 2015. Collection method: clinical testing. Allele origin: germline.

NM_001005242.3(PKP2):c.1167G>A (p.Lys389=)

Gene: PKP2 (plakophilin 2; minus strand). Cytogenetic location: 12p11.21.
Variant type: single nucleotide variant.
Coding change: c.1167G>A on transcript NM_001005242.3 (MANE Select); coding-DNA position 1167, G replaced by A.
Protein change: p.Lys389=; no amino-acid change (lysine 389 retained).
Molecular consequence: synonymous variant.
Genome position (GRCh38, 1-based): chr12:32,868,930, C>T on the plus strand (G>A on the coding strand, the complement: PKP2 is on the minus strand). VCF-style: chr12-32868930-C-T. GRCh37 (hg19) VCF-style: chr12-33021864-C-T.
Other names: c.1167G>A, p.Lys389= (NM_004572.4).
Identifiers: ClinVar variation 1171855 (VCV001171855.3), dbSNP rs751778207, ClinGen allele CA027163.